The following is an entry in ClinVar:

NM_001395010.1(DAB2IP):c.1640C>T (p.Thr547Ile)

Gene: DAB2IP (DAB2 interacting protein; plus strand). Cytogenetic location: 9q33.2.
Variant type: single nucleotide variant.
Coding change: c.1640C>T on transcript NM_001395010.1 (MANE Select); coding-DNA position 1640, C replaced by T.
Protein change: p.Thr547Ile; replaces threonine 547 with isoleucine.
Molecular consequence: missense variant.
Genome position (GRCh38, 1-based): chr9:121,766,673, C>T. VCF-style: chr9-121766673-C-T. GRCh37 (hg19) VCF-style: chr9-124528952-C-T.
Other names: c.1556C>T, p.Thr519Ile (NM_032552.4); c.1268C>T, p.Thr423Ile (NM_138709.2); short protein forms T423I, T519I, T547I.
Identifiers: ClinVar variation 1334649 (VCV001334649.5), dbSNP rs1230051963, ClinGen allele CA374767022.

ClinVar aggregate classification (germline): Uncertain significance (1 of 4 stars; one submission).

Allele frequency attached by ClinVar (database versions not stated): gnomAD exomes below 0.00001.
gnomAD v4.1: 3 of 1,614,188 alleles (0.00019%); highest among the groups gnomAD compares: Non-Finnish European, 0.00025%; no homozygotes.

Submission:

Greenwood Genetic Center Diagnostic Laboratories, Greenwood Genetic Center
Classification: Uncertain significance. Last evaluated: 2021-12-13. Review status: criteria provided, single submitter. Criteria: ACMG Guidelines, 2015. Collection method: clinical testing. Allele origin: germline. Affected: yes.
Comment: PM2